The following is an entry in ClinVar:

NM_000218.3(KCNQ1):c.1393+29461dup

Genes: KCNQ1 (potassium voltage-gated channel subfamily Q member 1; plus strand), KCNQ1OT1 (KCNQ1 opposite strand/antisense transcript 1; minus strand). Cytogenetic location: 11p15.5.
Variant type: Duplication.
Coding change: c.1393+29461dup on transcript NM_000218.3 (MANE Select); 29461 bases into the intron after coding-DNA position 1393, one base duplicated (A; older notation c.1393+29461dupA).
Molecular consequence: intron variant.
Genome position (GRCh38, 1-based): chr11:2,618,315, A duplicated; the last of 7 consecutive A bases (chr11:2,618,309-2,618,315); duplicating any one gives the same sequence. VCF-style (leftmost placement, unchanged base first): chr11-2618308-T-TA. GRCh37 (hg19) VCF-style: chr11-2639538-T-TA.
Other names: c.1123+29461dup (NM_001406837.1); c.1297+29461dup (NM_001406836.1); c.853+29461dup (NM_001406838.1); c.1012+29461dup (NM_181798.2).
Identifiers: ClinVar variation 1879160 (VCV001879160.29), dbSNP rs574206243, ClinGen allele CA216360981.

ClinVar aggregate classification (germline): Benign (1 of 4 stars; one submission).

Submission:

CeGaT Center for Human Genetics Tuebingen
Classification: Benign. Last evaluated: 2024-05-01. Review status: criteria provided, single submitter. Criteria: CeGaT Center For Human Genetics Tuebingen Variant Classification Criteria Version 2. Collection method: clinical testing. Allele origin: germline. Affected: yes. Observed: 2 variant alleles.
Comment: KCNQ1OT1: BS1, BS2